The following is an entry in ClinVar:

ClinVar aggregate classification (germline): Uncertain significance (1 of 4 stars; one submission).

Conditions:
Inborn genetic diseases. Identifiers: MedGen C0950123, MeSH D030342.

Submission:

Ambry Genetics
Classification: Uncertain significance for Inborn genetic diseases. Last evaluated: 2023-01-21. Review status: criteria provided, single submitter. Criteria: Ambry Variant Classification Scheme 2023. Collection method: clinical testing. Allele origin: germline.
Comment: The p.A369V variant (also known as c.1106C>T), located in coding exon 9 of the EPAS1 gene, results from a C to T substitution at nucleotide position 1106. The alanine at codon 369 is replaced by valine, an amino acid with similar properties. This amino acid position is conserved. In addition, this alteration is predicted to be tolerated by in silico analysis. Since supporting evidence is limited at this time, the clinical significance of this alteration remains unclear.

NM_001430.5(EPAS1):c.1106C>T (p.Ala369Val)

Gene: EPAS1 (endothelial PAS domain protein 1; plus strand). Cytogenetic location: 2p21.
Variant type: single nucleotide variant.
Coding change: c.1106C>T on transcript NM_001430.5 (MANE Select); coding-DNA position 1106, C replaced by T.
Protein change: p.Ala369Val; replaces alanine 369 with valine.
Molecular consequence: missense variant.
Genome position (GRCh38, 1-based): chr2:46,376,610, C>T. VCF-style: chr2-46376610-C-T. GRCh37 (hg19) VCF-style: chr2-46603749-C-T.
Other names: short protein forms A369V.
Identifiers: ClinVar variation 2450313 (VCV002450313.2), dbSNP rs2103664353, ClinGen allele CA346703194.
Genomic context (GRCh38, chr2:46,376,610, plus strand): 5'-AGAATGACGTGGTGTTCTCCATGGACCAGACTGAATCCCTGTTCAAGCCCCACCTGATGG[C>T]CATGAACAGCATCTTTGATAGCAGTGGCAAGGGGGCTGTGTCTGAGAAGAGTAACTTCCT-3'
Protein context (NP_001421.2, residues 359-379): TESLFKPHLM[Ala369Val]MNSIFDSSGK